The following is an entry in ClinVar:

NM_006767.4(LZTR1):c.263G>A (p.Gly88Glu)

Gene: LZTR1 (leucine zipper like post translational regulator 1; plus strand). Cytogenetic location: 22q11.21.
Variant type: single nucleotide variant.
Coding change: c.263G>A on transcript NM_006767.4 (MANE Select); coding-DNA position 263, G replaced by A.
Protein change: p.Gly88Glu; replaces glycine 88 with glutamic acid.
Molecular consequence: missense variant.
Genome position (GRCh38, 1-based): chr22:20,983,089, G>A. VCF-style: chr22-20983089-G-A. GRCh37 (hg19) VCF-style: chr22-21337378-G-A.
Other names: c.263G>A (NM_006767.3); short protein forms G88E.
Identifiers: ClinVar variation 1923519 (VCV001923519.6), dbSNP rs1051725799, ClinGen allele CA410778434.

ClinVar aggregate classification (germline): Conflicting classifications of pathogenicity. Review status: criteria provided, conflicting classifications (1 of 4 stars). 2 submissions from 2 submitters: Likely pathogenic (1); Uncertain significance (1). Last evaluated 2024-02-16.

Conditions:
Hereditary cancer-predisposing syndrome. Also called: Hereditary Cancer Syndrome; Hereditary neoplastic syndrome; Neoplastic Syndromes, Hereditary; Tumor predisposition. Identifiers: Orphanet 140162, MedGen C0027672, MeSH D009386, MONDO:0015356.
Cardiovascular phenotype. Identifiers: MedGen CN230736.

Submissions (2):

Ambry Genetics
Classification: Likely pathogenic for Cardiovascular phenotype; Hereditary cancer-predisposing syndrome. Last evaluated: 2024-02-16. Review status: criteria provided, single submitter. Criteria: Ambry Variant Classification Scheme 2023. Collection method: clinical testing. Allele origin: germline.
Comment: The c.263G>A variant (also known as p.G88E), located in coding exon 2 of the LZTR1 gene, results from a G to A substitution at nucleotide position 263. The amino acid change results in glycine to glutamic acid at codon 88, an amino acid with similar properties. However, this change occurs in the last base pair of coding exon 2, which makes it likely to have some effect on normal mRNA splicing. This nucleotide position is highly conserved in available vertebrate species. In silico splice site analysis predicts that this alteration will weaken the native splice donor site and may result in the creation or strengthening of a novel splice donor site. RNA studies have demonstrated that this alteration results in abnormal splicing in the set of samples tested (Ambry internal data). This variant is considered to be rare based on population cohorts in the Genome Aggregation Database (gnomAD). Loss-of-function variants in LZTR1 are related to an increased risk for schwannomas and autosomal recessive Noonan syndrome; however, such associations with autosomal dominant Noonan syndrome have not been observed (Piotrowski A et al. Nat Genet. 2014 Feb;46:182-7; Yamamoto GL et al. J Med Genet. 2015 Jun;52:413-21; Johnston JJ et al. Genet Med. 2018 10;20:1175-1185). Based on the supporting evidence, this variant is likely pathogenic for an increased risk of LZTR1-related schwannomatosis (SWN) and would be expected to cause autosomal recessive Noonan syndrome when present along with a second pathogenic or likely pathogenic variant on the other allele; however, the association of this alteration with autosomal dominant Noonan syndrome is unlikely.

Labcorp Genetics (formerly Invitae), Labcorp
Classification: Uncertain significance. Last evaluated: 2022-04-13. Review status: criteria provided, single submitter. Criteria: Invitae Variant Classification Sherloc (09022015). Collection method: clinical testing. Allele origin: germline.
Comment: In summary, the available evidence is currently insufficient to determine the role of this variant in disease. Therefore, it has been classified as a Variant of Uncertain Significance. Variants that disrupt the consensus splice site are a relatively common cause of aberrant splicing (PMID: 17576681, 9536098). Algorithms developed to predict the effect of sequence changes on RNA splicing suggest that this variant may disrupt the consensus splice site. Algorithms developed to predict the effect of missense changes on protein structure and function are either unavailable or do not agree on the potential impact of this missense change (SIFT: "Deleterious"; PolyPhen-2: "Probably Damaging"; Align-GVGD: "Class C0"). This variant has not been reported in the literature in individuals affected with LZTR1-related conditions. This variant is not present in population databases (gnomAD no frequency). This sequence change replaces glycine, which is neutral and non-polar, with glutamic acid, which is acidic and polar, at codon 88 of the LZTR1 protein (p.Gly88Glu). This variant also falls at the last nucleotide of exon 2, which is part of the consensus splice site for this exon.

Literature cited by the submitters: PubMed 17576681 (cited by Labcorp Genetics (formerly Invitae), Labcorp); PubMed 9536098 (cited by Labcorp Genetics (formerly Invitae), Labcorp).